The following is an entry in ClinVar:

NM_000038.6(APC):c.7968T>A (p.Asp2656Glu)

Gene: APC (APC regulator of Wnt signaling pathway; plus strand). Cytogenetic location: 5q22.2.
Variant type: single nucleotide variant.
Coding change: c.7968T>A on transcript NM_000038.6 (MANE Select); coding-DNA position 7968, T replaced by A.
Protein change: p.Asp2656Glu; replaces aspartic acid 2656 with glutamic acid.
Molecular consequence: missense variant.
Genome position (GRCh38, 1-based): chr5:112,843,562, T>A. VCF-style: chr5-112843562-T-A. GRCh37 (hg19) VCF-style: chr5-112179259-T-A.
Other names: c.7968T>A, p.Asp2656Glu (NM_001127510.3, NM_001354895.2); c.7914T>A, p.Asp2638Glu (NM_001127511.3); c.8022T>A, p.Asp2674Glu (NM_001354896.2); c.7998T>A, p.Asp2666Glu (NM_001354897.2); c.7893T>A, p.Asp2631Glu (NM_001354898.2); c.7884T>A, p.Asp2628Glu (NM_001354899.2); c.7845T>A, p.Asp2615Glu (NM_001354900.2); c.7791T>A, p.Asp2597Glu (NM_001354901.2); and 5 more; short protein forms D2597E, D2656E, D2666E, D2373E, D2496E, D2530E, D2628E, D2631E.
Identifiers: ClinVar variation 659988 (VCV000659988.15), dbSNP rs1580688744, ClinGen allele CA16038636.

ClinVar aggregate classification (germline): Uncertain significance. Review status: criteria provided, multiple submitters, no conflicts (2 of 4 stars). 2 submissions from 2 submitters: Uncertain significance (2). Last evaluated 2025-07-03.

Conditions:
Hereditary cancer-predisposing syndrome. Also called: Hereditary neoplastic syndrome; Neoplastic Syndromes, Hereditary; Hereditary Cancer Syndrome; Tumor predisposition. Identifiers: Orphanet 140162, MedGen C0027672, MeSH D009386, MONDO:0015356.
Familial adenomatous polyposis 1 (FAP1). Also called: POLYPOSIS, ADENOMATOUS INTESTINAL; FAMILIAL ADENOMATOUS POLYPOSIS 1, ATTENUATED. Identifiers: MedGen C2713442, MONDO:0021056, OMIM 175100. Disease mechanism: loss of function.

Submissions (2):

Ambry Genetics
Classification: Uncertain significance for Hereditary cancer-predisposing syndrome. Last evaluated: 2025-07-03. Review status: criteria provided, single submitter. Criteria: Ambry Variant Classification Scheme 2023. Collection method: clinical testing. Allele origin: germline.
Comment: The p.D2656E variant (also known as c.7968T>A), located in coding exon 15 of the APC gene, results from a T to A substitution at nucleotide position 7968. The aspartic acid at codon 2656 is replaced by glutamic acid, an amino acid with highly similar properties. This amino acid position is highly conserved in available vertebrate species. In addition, in silico predictors for this gene do not accurately predict pathogenicity. Missense alterations in APC are not a common cause of disease (Spier I et al. Genet Med. 2024 Feb;26(2):100992). Based on the available evidence, the clinical significance of this variant remains unclear.

Labcorp Genetics (formerly Invitae), Labcorp
Classification: Uncertain significance for Familial adenomatous polyposis 1. Last evaluated: 2018-12-24. Review status: criteria provided, single submitter. Criteria: Invitae Variant Classification Sherloc (09022015). Collection method: clinical testing. Allele origin: germline.
Comment: Algorithms developed to predict the effect of missense changes on protein structure and function are either unavailable or do not agree on the potential impact of this missense change (SIFT: "Deleterious"; PolyPhen-2: "Probably Damaging"; Align-GVGD: "Class C0"). In summary, the available evidence is currently insufficient to determine the role of this variant in disease. Therefore, it has been classified as a Variant of Uncertain Significance. This variant has not been reported in the literature in individuals with APC-related conditions. This sequence change replaces aspartic acid with glutamic acid at codon 2656 of the APC protein (p.Asp2656Glu). The aspartic acid residue is highly conserved and there is a small physicochemical difference between aspartic acid and glutamic acid. This variant is not present in population databases (ExAC no frequency).